The following is an entry in ClinVar:

NM_001199138.2(NLRC4):c.1739A>C (p.Gln580Pro)

Gene: NLRC4 (NLR family CARD domain containing 4; minus strand). Cytogenetic location: 2p22.3.
Variant type: single nucleotide variant.
Coding change: c.1739A>C on transcript NM_001199138.2 (MANE Select); coding-DNA position 1739, A replaced by C.
Protein change: p.Gln580Pro; replaces glutamine 580 with proline.
Molecular consequence: missense variant. On other transcripts: intron variant (1).
Genome position (GRCh38, 1-based): chr2:32,250,125, T>G on the plus strand (A>C on the coding strand, the complement: NLRC4 is on the minus strand). VCF-style: chr2-32250125-T-G. GRCh37 (hg19) VCF-style: chr2-32475194-T-G.
Other names: c.1739A>C, p.Gln580Pro (NM_001199139.2, NM_021209.5); c.262+2294A>C (NM_001302504.1); short protein forms Q580P.
Identifiers: ClinVar variation 2001046 (VCV002001046.4), dbSNP rs1558456902, ClinGen allele CA346511810.

ClinVar aggregate classification (germline): Uncertain significance (1 of 4 stars; one submission).

Conditions:
Periodic fever-infantile enterocolitis-autoinflammatory syndrome. Also called: Autoinflammation with infantile enterocolitis. Identifiers: Orphanet 436166, MedGen C4015067, MONDO:0014472, OMIM 616050.
Familial cold autoinflammatory syndrome 4 (FCAS4). Identifiers: Orphanet 47045, Orphanet 576349, MedGen C4015276, MONDO:0014498, OMIM 616115.

Allele frequency attached by ClinVar (database versions not stated): gnomAD exomes below 0.00001.
gnomAD v4.1: 1 of 1,614,158 alleles (0.000062%); highest among the groups gnomAD compares: Admixed American, 0.0017%; no homozygotes.

Submission:

Labcorp Genetics (formerly Invitae), Labcorp
Classification: Uncertain significance for Periodic fever-infantile enterocolitis-autoinflammatory syndrome; Familial cold autoinflammatory syndrome 4. Last evaluated: 2022-07-29. Review status: criteria provided, single submitter. Criteria: Invitae Variant Classification Sherloc (09022015). Collection method: clinical testing. Allele origin: germline.
Comment: In summary, the available evidence is currently insufficient to determine the role of this variant in disease. Therefore, it has been classified as a Variant of Uncertain Significance. This sequence change replaces glutamine, which is neutral and polar, with proline, which is neutral and non-polar, at codon 580 of the NLRC4 protein (p.Gln580Pro). This variant is not present in population databases (gnomAD no frequency). This variant has not been reported in the literature in individuals affected with NLRC4-related conditions. Algorithms developed to predict the effect of missense changes on protein structure and function (SIFT, PolyPhen-2, Align-GVGD) all suggest that this variant is likely to be tolerated.